The following is an entry in ClinVar:

ClinVar aggregate classification (germline): Conflicting classifications of pathogenicity. Review status: criteria provided, conflicting classifications (1 of 4 stars). 5 submissions from 5 submitters: Uncertain significance (3); Benign (1); Likely benign (1). Last evaluated 2025-12-09.

Conditions:
Hereditary cancer-predisposing syndrome. Also called: Tumor predisposition; Hereditary neoplastic syndrome; Neoplastic Syndromes, Hereditary; Hereditary Cancer Syndrome. Identifiers: Orphanet 140162, MedGen C0027672, MeSH D009386, MONDO:0015356.
Cardiovascular phenotype. Identifiers: MedGen CN230736.
Neurofibromatosis-Noonan syndrome (NFNS). Also called: NEUROFIBROMATOSIS WITH NOONAN PHENOTYPE. Identifiers: Orphanet 638, MedGen C2931482, MONDO:0011035, OMIM 601321. Disease mechanism: loss of function.
Café-au-lait macules with pulmonary stenosis (WTSN). Also called: PULMONIC STENOSIS WITH CAFE-AU-LAIT SPOTS. Identifiers: MedGen C0553586, MONDO:0008672, OMIM 193520.
Neurofibromatosis, familial spinal (FSNF). Identifiers: Orphanet 636, MedGen C1834235, MONDO:0008078, OMIM 162210. Disease mechanism: loss of function.
Juvenile myelomonocytic leukemia (JMML). Also called: LEUKEMIA, JUVENILE MYELOMONOCYTIC, SOMATIC. Identifiers: Orphanet 86834, MedGen C0349639, MONDO:0011908, OMIM 607785, HP:0012209.
Neurofibromatosis, type 1 (NF1). Also called: Peripheral type neurofibromatosis; NEUROFIBROMATOSIS, TYPE I, SOMATIC; Neurofibromatosis, type I; VON RECKLINGHAUSEN DISEASE. Identifiers: Orphanet 636, MedGen C0027831, MONDO:0018975, OMIM 162200. Disease mechanism: loss of function.

Allele frequency attached by ClinVar (database versions not stated): TOPMed 0.00002.

Submissions (5):

Ambry Genetics
Classification: Likely benign for Cardiovascular phenotype; Hereditary cancer-predisposing syndrome. Last evaluated: 2025-12-09. Review status: criteria provided, single submitter. Criteria: Ambry Variant Classification Scheme 2023. Collection method: clinical testing. Allele origin: germline.

Labcorp Genetics (formerly Invitae), Labcorp
Classification: Benign for Neurofibromatosis, type 1. Last evaluated: 2025-09-09. Review status: criteria provided, single submitter. Criteria: Invitae Variant Classification Sherloc (09022015). Collection method: clinical testing. Allele origin: germline.

GeneDx
Classification: Uncertain significance. Last evaluated: 2023-12-20. Review status: criteria provided, single submitter. Criteria: GeneDx Variant Classification Process June 2021. Collection method: clinical testing. Allele origin: germline. Affected: yes.
Comment: Not observed at significant frequency in large population cohorts (gnomAD); In silico analysis supports that this missense variant does not alter protein structure/function; Has not been previously published as pathogenic or benign to our knowledge

Genome-Nilou Lab
Classification: Uncertain significance for Neurofibromatosis, type 1. Last evaluated: 2022-03-15. Review status: criteria provided, single submitter. Criteria: ACMG Guidelines, 2015. Collection method: clinical testing. Allele origin: germline. Affected: no.

Fulgent Genetics
Classification: Uncertain significance for Neurofibromatosis, type 1; Neurofibromatosis, familial spinal; Café-au-lait macules with pulmonary stenosis; Neurofibromatosis-Noonan syndrome; Juvenile myelomonocytic leukemia. Last evaluated: 2021-10-04. Review status: criteria provided, single submitter. Criteria: ACMG Guidelines, 2015. Collection method: clinical testing. Allele origin: unknown.

NM_001042492.3(NF1):c.885T>A (p.Asn295Lys)

Gene: NF1 (neurofibromin 1; plus strand). Cytogenetic location: 17q11.2.
Variant type: single nucleotide variant.
Coding change: c.885T>A on transcript NM_001042492.3 (MANE Select); coding-DNA position 885, T replaced by A.
Protein change: p.Asn295Lys; replaces asparagine 295 with lysine.
Molecular consequence: missense variant.
Genome position (GRCh38, 1-based): chr17:31,182,662, T>A. VCF-style: chr17-31182662-T-A. GRCh37 (hg19) VCF-style: chr17-29509680-T-A.
Other names: c.885T>A, p.Asn295Lys (NM_000267.4, NM_001128147.3); short protein forms N295K.
Identifiers: ClinVar variation 219894 (VCV000219894.16), dbSNP rs864622300, ClinGen allele CA349137.
Genomic context (GRCh38, chr17:31,182,662, plus strand): 5'-CTTGTGTCCAGAAATAATCCAGGATATATCCAAAGACGTGGTTGATGAAAACAACATGAA[T>A]AAGGTAAGGAGGGCAAAATTATTTCCATTATATCTAGATGTGAAGCAGTTTATTTTACTC-3'
Protein context (NP_001035957.1, residues 285-305): SKDVVDENNM[Asn295Lys]KKLFLDSLRK